The following is an entry in ClinVar:

ClinVar aggregate classification (germline): Uncertain significance (1 of 4 stars; one submission).

Allele frequency attached by ClinVar (database versions not stated): gnomAD exomes below 0.00001.
gnomAD v4.1: 3 of 1,602,036 alleles (0.00019%); highest among the groups gnomAD compares: Non-Finnish European, 0.00026%; no homozygotes.

Submission:

Ambry Genetics
Classification: Uncertain significance. Last evaluated: 2023-02-28. Review status: criteria provided, single submitter. Criteria: Ambry Variant Classification Scheme 2023. Collection method: clinical testing. Allele origin: germline.
Comment: The p.T35A variant (also known as c.103A>G), located in coding exon 1 of the KIF1B gene, results from an A to G substitution at nucleotide position 103. The threonine at codon 35 is replaced by alanine, an amino acid with similar properties. This amino acid position is conserved. In addition, this alteration is predicted to be deleterious by in silico analysis. Since supporting evidence is limited at this time, the clinical significance of this alteration remains unclear.

NM_001365951.3(KIF1B):c.103A>G (p.Thr35Ala)

Genes: KIF1B (kinesin family member 1B; plus strand), LOC129388446 (MPRA-validated peak64 silencer; plus strand). Cytogenetic location: 1p36.22.
Variant type: single nucleotide variant.
Coding change: c.103A>G on transcript NM_001365951.3 (MANE Select); coding-DNA position 103, A replaced by G.
Protein change: p.Thr35Ala; replaces threonine 35 with alanine.
Molecular consequence: missense variant.
Genome position (GRCh38, 1-based): chr1:10,232,431, A>G. VCF-style: chr1-10232431-A-G. GRCh37 (hg19) VCF-style: chr1-10292489-A-G.
Other names: c.103A>G, p.Thr35Ala (NM_001365952.1, NM_001365953.1, NM_015074.3 and 1 more transcripts); short protein forms T35A.
Identifiers: ClinVar variation 2448796 (VCV002448796.2), dbSNP rs2523353148, ClinGen allele CA338316606.
Genomic context (GRCh38, chr1:10,232,431, plus strand): 5'-TTCAATTCTCGAGAGACCAGCAAGGAATCCAAATGCATCATTCAGATGCAAGGCAACTCG[A>G]CCAGTGAGTACATGTTGTTTTCTCTCAGCTGTGTATCTTACTTTCCTTTCTTCTTTCCCT-3'
Protein context (NP_001352880.1, residues 25-45): KCIIQMQGNS[Thr35Ala]SIINPKNPKE